The following is an entry in ClinVar:

ClinVar aggregate classification (germline): Benign (1 of 4 stars; one submission).

Allele frequency attached by ClinVar (database versions not stated): gnomAD exomes 0.00383; ExAC 0.00495; gnomAD 0.01394 and 0.01502; TOPMed 0.01594; 1000 Genomes Project 0.01597; 1000 Genomes Project 30x 0.01702; ESP Exome Variant Server 0.01707.
gnomAD v4.1: 4,274 of 1,578,710 alleles (0.27%); highest among the groups gnomAD compares: African/African-American, 5.1%; 94 homozygotes.

Submission:

GeneDx
Classification: Benign. Last evaluated: 2018-06-19. Review status: criteria provided, single submitter. Criteria: GeneDx Variant Classification (06012015). Collection method: clinical testing. Allele origin: germline. Affected: yes.
Comment: This variant is considered likely benign or benign based on one or more of the following criteria: it is a conservative change, it occurs at a poorly conserved position in the protein, it is predicted to be benign by multiple in silico algorithms, and/or has population frequency not consistent with disease.

NM_007078.3(LDB3):c.896+45G>A

Gene: LDB3 (LIM domain binding 3; plus strand). Cytogenetic location: 10q23.2.
Variant type: single nucleotide variant.
Coding change: c.896+45G>A on transcript NM_007078.3 (MANE Select); 45 bases into the intron after coding-DNA position 896, G replaced by A.
Molecular consequence: intron variant.
Genome position (GRCh38, 1-based): chr10:86,692,616, G>A. VCF-style: chr10-86692616-G-A. GRCh37 (hg19) VCF-style: chr10-88452373-G-A.
Other names: c.896+45G>A (NM_001368064.1, NM_001368063.1, NM_001368065.1 and 1 more transcripts); c.755+45G>A (NM_001368068.1, NM_001368066.1, NM_001080114.2 and 2 more transcripts); c.1100+45G>A (NM_001171610.2, NM_001171611.2).
Identifiers: ClinVar variation 671420 (VCV000671420.1), dbSNP rs11202128, ClinGen allele CA5584942.
Genomic context (GRCh38, chr10:86,692,616, plus strand): 5'-CTCTGCGAAGGTCAAGGTAAGTGCCTGGACTCAGGCTCTGTGGCCTTGCCCTCTAGCCCC[G>A]TCCCTCCCCGGGCAGCCCCCAGGTCACATCACTCATGGAAGGGACCTCTCAAGTTCATGG-3'